The following is an entry in ClinVar:

NM_001170629.2(CHD8):c.4429C>G (p.Arg1477Gly)

Gene: CHD8 (chromodomain helicase DNA binding protein 8; minus strand). Cytogenetic location: 14q11.2.
Variant type: single nucleotide variant.
Coding change: c.4429C>G on transcript NM_001170629.2 (MANE Select); coding-DNA position 4429, C replaced by G.
Protein change: p.Arg1477Gly; replaces arginine 1477 with glycine.
Molecular consequence: missense variant.
Genome position (GRCh38, 1-based): chr14:21,400,554, G>C on the plus strand (C>G on the coding strand, the complement: CHD8 is on the minus strand). VCF-style: chr14-21400554-G-C. GRCh37 (hg19) VCF-style: chr14-21868713-G-C.
Other names: c.3592C>G, p.Arg1198Gly (NM_020920.4); short protein forms R1198G, R1477G.
Identifiers: ClinVar variation 3772574 (VCV003772574.14).

ClinVar aggregate classification (germline): Uncertain significance. Review status: criteria provided, multiple submitters, no conflicts (2 of 4 stars). 2 submissions from 2 submitters: Uncertain significance (2). Last evaluated 2025-09-23.

Submissions (2):

Labcorp Genetics (formerly Invitae), Labcorp
Classification: Uncertain significance. Last evaluated: 2025-09-23. Review status: criteria provided, single submitter. Criteria: Invitae Variant Classification Sherloc (09022015). Collection method: clinical testing. Allele origin: germline.
Comment: This sequence change replaces arginine, which is basic and polar, with glycine, which is neutral and non-polar, at codon 1477 of the CHD8 protein (p.Arg1477Gly). This variant is not present in population databases (gnomAD no frequency). This variant has not been reported in the literature in individuals affected with CHD8-related conditions. ClinVar contains an entry for this variant (Variation ID: 3772574). Invitae Evidence Modeling of protein sequence and biophysical properties (such as structural, functional, and spatial information, amino acid conservation, physicochemical variation, residue mobility, and thermodynamic stability) indicates that this missense variant is not expected to disrupt CHD8 protein function with a negative predictive value of 95%. In summary, the available evidence is currently insufficient to determine the role of this variant in disease. Therefore, it has been classified as a Variant of Uncertain Significance.

CeGaT Center for Human Genetics Tuebingen
Classification: Uncertain significance. Last evaluated: 2025-02-01. Review status: criteria provided, single submitter. Criteria: CeGaT Center For Human Genetics Tuebingen Variant Classification Criteria Version 2. Collection method: clinical testing. Allele origin: germline. Affected: yes. Observed: 1 variant allele.
Comment: CHD8: PM2, PP2